The following is an entry in ClinVar:

ClinVar aggregate classification (germline): Uncertain significance (1 of 4 stars; one submission).

Conditions:
Cardiomyopathy (CMYO). Also called: Cardiomyopathies. Identifiers: Orphanet 167848, MedGen C0878544, MONDO:0004994, HP:0001638. Inheritance: Various modes of inheritance.

Submission:

Color Diagnostics, LLC DBA Color Health
Classification: Uncertain significance for Cardiomyopathy. Last evaluated: 2025-06-23. Review status: criteria provided, single submitter. Criteria: ACMG Guidelines, 2015. Collection method: clinical testing. Allele origin: germline.
Comment: This missense variant replaces aspartic acid with histidine at codon 1741 of the RYR2 protein. Computational prediction suggests that this variant may not impact protein structure and function. To our knowledge, functional studies have not been reported for this variant. This variant has not been reported in individuals affected with RYR2-related disorders in the literature. This variant has not been identified in the general population by the Genome Aggregation Database (gnomAD). The available evidence is insufficient to determine the role of this variant in disease conclusively. Therefore, this variant is classified as a Variant of Uncertain Significance.

NM_001035.3(RYR2):c.5221G>C (p.Asp1741His)

Gene: RYR2 (ryanodine receptor 2; plus strand). Cytogenetic location: 1q43.
Variant type: single nucleotide variant.
Coding change: c.5221G>C on transcript NM_001035.3 (MANE Select); coding-DNA position 5221, G replaced by C.
Protein change: p.Asp1741His; replaces aspartic acid 1741 with histidine.
Molecular consequence: missense variant.
Genome position (GRCh38, 1-based): chr1:237,614,349, G>C. VCF-style: chr1-237614349-G-C. GRCh37 (hg19) VCF-style: chr1-237777649-G-C.
Other names: short protein forms D1741H.
Identifiers: ClinVar variation 4757201 (VCV004757201.1).